The following is an entry in ClinVar:

NM_001394062.1(MACF1):c.16524A>T (p.Ala5508=)

Gene: MACF1 (microtubule actin crosslinking factor 1; plus strand). Cytogenetic location: 1p34.3.
Variant type: single nucleotide variant.
Coding change: c.16524A>T on transcript NM_001394062.1 (MANE Select); coding-DNA position 16524, A replaced by T.
Protein change: p.Ala5508=; no amino-acid change (alanine 5508 retained).
Molecular consequence: synonymous variant. On other transcripts: intron variant (1).
Genome position (GRCh38, 1-based): chr1:39,428,008, A>T. VCF-style: chr1-39428008-A-T. GRCh37 (hg19) VCF-style: chr1-39893680-A-T.
Other names: c.10338A>T, p.Ala3446= (NM_012090.5); c.4872+394A>T (NM_001397473.1).
Identifiers: ClinVar variation 3026087 (VCV003026087.22), dbSNP rs1237090334, ClinGen allele CA417282258.
Genomic context (GRCh38, chr1:39,428,008, plus strand): 5'-TCTGGATTTCCAGGCTCTGGAAGAAGACATAGAAAACCATGCAACAGATGTGCACCAGGC[A>T]GTCAAAATTGGGCAGTCCCTCTCCTCCCTGACATCTCCTGCAGAACAGGGTGTGCTGTCA-3'
Protein context (NP_001380991.1, residues 5498-5518): IENHATDVHQ[Ala5508=]VKIGQSLSSL

ClinVar aggregate classification (germline): Likely benign (1 of 4 stars; one submission).

Allele frequency attached by ClinVar (database versions not stated): gnomAD 0.00001; gnomAD exomes 0.00001; TOPMed 0.00001.
gnomAD v4.1: 16 of 1,614,098 alleles (0.00099%); highest among the groups gnomAD compares: Middle Eastern, 0.016%; no homozygotes.

Submission:

CeGaT Center for Human Genetics Tuebingen
Classification: Likely benign. Last evaluated: 2024-02-01. Review status: criteria provided, single submitter. Criteria: CeGaT Center For Human Genetics Tuebingen Variant Classification Criteria Version 2. Collection method: clinical testing. Allele origin: germline. Affected: yes. Observed: 1 variant allele.
Comment: MACF1: BP4